The following is an entry in ClinVar:

NM_001367721.1(CASK):c.1936A>G (p.Ile646Val)

Gene: CASK (calcium/calmodulin dependent serine protein kinase; minus strand). Cytogenetic location: Xp11.4.
Variant type: single nucleotide variant.
Coding change: c.1936A>G on transcript NM_001367721.1 (MANE Select); coding-DNA position 1936, A replaced by G.
Protein change: p.Ile646Val; replaces isoleucine 646 with valine.
Molecular consequence: missense variant.
Genome position (GRCh38, 1-based): chrX:41,553,822, T>C on the plus strand (A>G on the coding strand, the complement: CASK is on the minus strand). VCF-style: chrX-41553822-T-C. GRCh37 (hg19) VCF-style: chrX-41413075-T-C.
Other names: c.1867A>G, p.Ile623Val (NM_001126054.3); c.1849A>G, p.Ile617Val (NM_001126055.3); c.1918A>G, p.Ile640Val (NM_001410745.1); c.1936A>G, p.Ile646Val (NM_003688.4); short protein forms I646V, I623V, I617V, I640V.
Identifiers: ClinVar variation 439455 (VCV000439455.8), dbSNP rs1555980007, ClinGen allele CA412993013.

ClinVar aggregate classification (germline): Uncertain significance (1 of 4 stars; one submission).

Submission:

ARUP Laboratories, Molecular Genetics and Genomics, ARUP Laboratories
Classification: Uncertain significance. Last evaluated: 2017-05-05. Review status: criteria provided, single submitter. Criteria: ARUP Molecular Germline Variant Investigation Process. Collection method: clinical testing. Allele origin: germline.
Comment: The p.Ile646Val variant has not been reported in the medical literature, is not listed in gene-specific variant databases, nor has it been previously identified in our laboratory. It is also absent from population databases such as 1000 Genomes, the NHLBI GO Exome Sequencing Project (ESP), and the Exome Aggregation Consortium (ExAC) browser. The isoleucine at codon 646 is highly conserved considering 10 species up to Opossum (Alamut software v2.8.1), although computational analyses return mixed results regarding the effect of this variant on CASK protein structure/function (SIFT: damaging, PolyPhen2: benign, and Mutation Taster: disease causing).